The following is an entry in ClinVar:

ClinVar aggregate classification (germline): Uncertain significance (1 of 4 stars; one submission).

Submission:

Labcorp Genetics (formerly Invitae), Labcorp
Classification: Uncertain significance. Last evaluated: 2024-03-07. Review status: criteria provided, single submitter. Criteria: Invitae Variant Classification Sherloc (09022015). Collection method: clinical testing. Allele origin: germline.
Comment: This sequence change affects an acceptor splice site in intron 4 of the MTMR14 gene. It is expected to disrupt RNA splicing. Variants that disrupt the donor or acceptor splice site typically lead to a loss of protein function (PMID: 16199547), however the current clinical and genetic evidence is not sufficient to establish whether loss-of-function variants in MTMR14 cause disease. This variant is not present in population databases (gnomAD no frequency). This variant has not been reported in the literature in individuals affected with MTMR14-related conditions. Algorithms developed to predict the effect of sequence changes on RNA splicing suggest that this variant may disrupt the consensus splice site. In summary, the available evidence is currently insufficient to determine the role of this variant in disease. Therefore, it has been classified as a Variant of Uncertain Significance.

Literature cited by the submitters: PubMed 16199547.

NM_001077525.3(MTMR14):c.494-1G>A

Gene: MTMR14 (myotubularin related protein 14; plus strand). Cytogenetic location: 3p25.3.
Variant type: single nucleotide variant.
Coding change: c.494-1G>A on transcript NM_001077525.3 (MANE Select); the canonical splice acceptor site of the intron before coding-DNA position 494, G replaced by A.
Molecular consequence: splice acceptor variant. On other transcripts: intron variant (11).
Genome position (GRCh38, 1-based): chr3:9,669,431, G>A. VCF-style: chr3-9669431-G-A. GRCh37 (hg19) VCF-style: chr3-9711115-G-A.
Other names: c.563-1G>A (NM_001400518.1, NM_001400521.1, NM_001400526.1); c.-149-1G>A (NM_001400542.1, NM_001400534.1, NM_001400541.1 and 5 more transcripts); c.494-1G>A (NM_001077526.3, NM_022485.5, NM_001400520.1 and 4 more transcripts); c.-222-1G>A (NM_001400547.1, NM_001400548.1); c.-88-1617G>A (NM_001400533.1, NM_001400539.1, NM_001400545.1 and 1 more transcripts); c.-161-1617G>A (NM_001400544.1, NM_001400550.1); c.309-1617G>A (NM_001400524.1, NM_001400527.1, NM_001400530.1 and 1 more transcripts); c.309-1620G>A (NM_001400531.1); and 1 more.
Identifiers: ClinVar variation 3682894 (VCV003682894.2).